The following is an entry in ClinVar:

NM_001005273.3(CHD3):c.3472T>C (p.Trp1158Arg)

Gene: CHD3 (chromodomain helicase DNA binding protein 3; plus strand). Cytogenetic location: 17p13.1.
Variant type: single nucleotide variant.
Coding change: c.3472T>C on transcript NM_001005273.3 (MANE Select); coding-DNA position 3472, T replaced by C.
Protein change: p.Trp1158Arg; replaces tryptophan 1158 with arginine.
Molecular consequence: missense variant.
Genome position (GRCh38, 1-based): chr17:7,903,038, T>C. VCF-style: chr17-7903038-T-C. GRCh37 (hg19) VCF-style: chr17-7806356-T-C.
Other names: c.3649T>C, p.Trp1217Arg (NM_001005271.3); c.3472T>C, p.Trp1158Arg (NM_005852.4); short protein forms W1158R, W1217R.
Identifiers: ClinVar variation 549738 (VCV000549738.5), dbSNP rs1567860891, ClinGen allele CA397941954.
Genomic context (GRCh38, chr17:7,903,038, plus strand): 5'-GCTGGGGGCCTGGGCATCAATCTGGCCACTGCTGACACTGTCATCATCTTTGATTCTGAC[T>C]GGAACCCCCATAATGACATCCAGGTGGGAACTCGCATCCTAGAACCCCTGCACCATTTAG-3'
Protein context (NP_001005273.1, residues 1148-1168): ADTVIIFDSD[Trp1158Arg]NPHNDIQAFS

ClinVar aggregate classification (germline): Pathogenic. Review status: criteria provided, single submitter (1 of 4 stars). 3 submissions from 3 submitters: Pathogenic (1). 2 of the submissions do not count toward it. Last evaluated 2019-02-19.

Conditions:
Snijders Blok-Campeau syndrome. Also called: INTELLECTUAL DEVELOPMENTAL DISORDER WITH MACROCEPHALY, SPEECH DELAY, AND DYSMORPHIC FACIES. Identifiers: Orphanet 599082, MedGen C4748701, MONDO:0032600, OMIM 618205.
Intellectual disability. Also called: Intellectual functioning disability; intellectual disabilities; Intellectual developmental disorder. Identifiers: MedGen C3714756, MeSH D008607, MONDO:0001071, HP:0001249.

Submissions (3):

SIB Swiss Institute of Bioinformatics
Classification: Pathogenic for Snijders Blok-Campeau syndrome. Last evaluated: 2019-02-19. Review status: criteria provided, single submitter. Criteria: ACMG Guidelines, 2015. Collection method: curation. Allele origin: unknown.
Comment: This variant is interpreted as a Pathogenic for Snijders Blok-Campeau syndrome, autosomal dominant. The following ACMG Tag(s) were applied: PM2 : Absent from controls (or at extremely low frequency if recessive) in Exome Sequencing Project, 1000 Genomes Project, or Exome Aggregation Consortium. PM6 : Assumed de novo, but without confirmation of paternity and maternity (PMID:30397230). PM1-supporting : PM1 downgraded in strength to Supporting. PP2 : Missense variant in a gene that has a low rate of benign missense variation and in which missense variants are a common mechanism of disease. PP3 :Multiple lines of computational evidence support a deleterious effect on the gene or gene product. PS3 :Well-established functional studies show a deleterious effect (PMID:30397230).

OMIM
Classification: Pathogenic for SNIJDERS BLOK-CAMPEAU SYNDROME. Last evaluated: 2023-05-12. Review status: no assertion criteria provided. Collection method: literature only. Allele origin: germline. Not counted in ClinVar's aggregate classification.

CHU Sainte-Justine Research Center, University of Montreal
Classification: Likely pathogenic for Intellectual disability. Last evaluated: 2018-05-03. Review status: no assertion criteria provided. Collection method: research. Allele origin: germline. Affected: yes. Not counted in ClinVar's aggregate classification.

Literature cited by the submitters: PubMed 30397230 (cited by SIB Swiss Institute of Bioinformatics and OMIM).